The following is an entry in ClinVar:

NM_001171.6(ABCC6):c.2071-1G>A

Gene: ABCC6 (ATP binding cassette subfamily C member 6; minus strand). Cytogenetic location: 16p13.11.
Variant type: single nucleotide variant.
Coding change: c.2071-1G>A on transcript NM_001171.6 (MANE Select); the canonical splice acceptor site of the intron before coding-DNA position 2071, G replaced by A.
Molecular consequence: splice acceptor variant.
Genome position (GRCh38, 1-based): chr16:16,182,589, C>T on the plus strand (G>A on the coding strand, the complement: ABCC6 is on the minus strand). VCF-style: chr16-16182589-C-T. GRCh37 (hg19) VCF-style: chr16-16276446-C-T.
Other names: c.1729-1G>A (NM_001351800.1).
Identifiers: ClinVar variation 2121122 (VCV002121122.5), dbSNP rs2047513887, ClinGen allele CA394888590.
Genomic context (GRCh38, chr16:16,182,589, plus strand): 5'-ATTCTCTACCACAGAGGTGTTCTGCACCCAGGCCTCCTGGGGCACGTAGGCCACAGCACC[C>T]TAAAACACAACTTACTTTGGTCACAGGAGGATGATGGGGACAGAGGTGGGATAGGTTTTG-3'

ClinVar aggregate classification (germline): Likely pathogenic. Review status: criteria provided, multiple submitters, no conflicts (2 of 4 stars). 2 submissions from 2 submitters: Likely pathogenic (2). Last evaluated 2024-10-16.

Conditions:
ABCC6-related disorder. Also called: ABCC6-related condition.

gnomAD v4.1: 2 of 1,611,632 alleles (0.00012%); no homozygotes.

Submissions (2):

Labcorp Genetics (formerly Invitae), Labcorp
Classification: Likely pathogenic. Last evaluated: 2024-10-16. Review status: criteria provided, single submitter. Criteria: Invitae Variant Classification Sherloc (09022015). Collection method: clinical testing. Allele origin: germline.
Comment: This sequence change affects an acceptor splice site in intron 16 of the ABCC6 gene. It is expected to disrupt RNA splicing. Variants that disrupt the donor or acceptor splice site typically lead to a loss of protein function (PMID: 16199547), and loss-of-function variants in ABCC6 are known to be pathogenic (PMID: 11536079, 17617515). This variant is not present in population databases (gnomAD no frequency). Disruption of this splice site has been observed in individual(s) with pseudoxanthoma elasticum (PMID: 20801516, 35261845). ClinVar contains an entry for this variant (Variation ID: 2121122). Algorithms developed to predict the effect of sequence changes on RNA splicing suggest that this variant may disrupt the consensus splice site. In summary, the currently available evidence indicates that the variant is pathogenic, but additional data are needed to prove that conclusively. Therefore, this variant has been classified as Likely Pathogenic.

Blueprint Genetics
Classification: Likely pathogenic for ABCC6-related disorders. Last evaluated: 2024-10-07. Review status: criteria provided, single submitter. Criteria: ACMG Guidelines, 2015. Collection method: clinical testing. Allele origin: germline. Affected: yes. Observed: 4 variant alleles.

Literature cited by the submitters: PubMed 16199547 (cited by Labcorp Genetics (formerly Invitae), Labcorp); PubMed 11536079 (cited by Labcorp Genetics (formerly Invitae), Labcorp); PubMed 17617515 (cited by Labcorp Genetics (formerly Invitae), Labcorp); PubMed 20801516 (cited by Labcorp Genetics (formerly Invitae), Labcorp); PubMed 35261845 (cited by Labcorp Genetics (formerly Invitae), Labcorp).